The following is an entry in ClinVar:

NM_001458.5(FLNC):c.261del (p.Pro88fs)

Gene: FLNC (filamin C; plus strand). Cytogenetic location: 7q32.1.
Variant type: Deletion.
Coding change: c.261del on transcript NM_001458.5 (MANE Select); coding-DNA position 261, one base deleted (T; older notation c.261delT).
Protein change: p.Pro88fs; shifts the reading frame from proline 88.
Molecular consequence: frameshift variant.
Genome position (GRCh38, 1-based): chr7:128,830,898, T deleted. VCF-style (leftmost placement, unchanged base first): chr7-128830897-AT-A. GRCh37 (hg19) VCF-style: chr7-128470951-AT-A.
Other names: c.261del, p.Pro88fs (NM_001127487.2); short protein forms P88fs.
Identifiers: ClinVar variation 1071931 (VCV001071931.7), dbSNP rs2128932217, ClinGen allele CA2499218732.

ClinVar aggregate classification (germline): Pathogenic (1 of 4 stars; one submission).

Conditions:
Myofibrillar myopathy 5. Also called: FILAMINOPATHY, AUTOSOMAL DOMINANT; Filaminopathy (type). Identifiers: Orphanet 171445, MedGen C1836050, MONDO:0012289, OMIM 609524.
Distal myopathy with posterior leg and anterior hand involvement. Also called: WILLIAMS DISTAL MYOPATHY. Identifiers: Orphanet 63273, MedGen C3279722, MONDO:0013550, OMIM 614065.
Hypertrophic cardiomyopathy 26. Also called: Cardiomyopathy, familial hypertrophic, 26. Identifiers: Orphanet 75249, MedGen C4310749, MONDO:0014883, OMIM 617047.

Submission:

Labcorp Genetics (formerly Invitae), Labcorp
Classification: Pathogenic for Distal myopathy with posterior leg and anterior hand involvement; Myofibrillar myopathy 5; Hypertrophic cardiomyopathy 26. Last evaluated: 2021-09-05. Review status: criteria provided, single submitter. Criteria: Invitae Variant Classification Sherloc (09022015). Collection method: clinical testing. Allele origin: germline.
Comment: Loss-of-function variants in FLNC are known to be pathogenic (PMID: 27908349). For these reasons, this variant has been classified as Pathogenic. This variant has not been reported in the literature in individuals with FLNC-related conditions. This sequence change creates a premature translational stop signal (p.Pro88Argfs*8) in the FLNC gene. It is expected to result in an absent or disrupted protein product. This variant is not present in population databases (ExAC no frequency).

Literature cited by the submitters: PubMed 27908349.